The following is an entry in ClinVar:

NM_000268.4(NF2):c.1647G>T (p.Leu549Phe)

Gene: NF2 (NF2, moesin-ezrin-radixin like (MERLIN) tumor suppressor; plus strand). Cytogenetic location: 22q12.2.
Variant type: single nucleotide variant.
Coding change: c.1647G>T on transcript NM_000268.4 (MANE Select); coding-DNA position 1647, G replaced by T.
Protein change: p.Leu549Phe; replaces leucine 549 with phenylalanine.
Molecular consequence: missense variant. On other transcripts: intron variant (3).
Genome position (GRCh38, 1-based): chr22:29,681,511, G>T. VCF-style: chr22-29681511-G-T. GRCh37 (hg19) VCF-style: chr22-30077500-G-T.
Other names: c.1533G>T, p.Leu511Phe (NM_001407053.1, NM_001407056.1); c.1524G>T, p.Leu508Phe (NM_001407054.1, NM_001407058.1, NM_181829.3); c.1521G>T, p.Leu507Phe (NM_001407055.1, NM_181828.3); c.1512G>T, p.Leu504Phe (NM_001407057.1, NM_001407059.1); c.1389G>T, p.Leu463Phe (NM_001407062.1); c.1398G>T, p.Leu466Phe (NM_001407063.1, NM_181830.3, NM_181831.3); c.1113G>T, p.Leu371Phe (NM_001407065.1); c.1647G>T, p.Leu549Phe (NM_001407066.1, NM_016418.5, NM_181825.3 and 1 more transcripts); and 4 more; short protein forms L371F, L463F, L466F, L472F, L504F, L507F, L508F, L511F.
Identifiers: ClinVar variation 3071458 (VCV003071458.2), dbSNP rs2518735056, ClinGen allele CA411150171.

ClinVar aggregate classification (germline): Uncertain significance. Review status: criteria provided, multiple submitters, no conflicts (2 of 4 stars). 2 submissions from 2 submitters: Uncertain significance (2). Last evaluated 2025-03-19.

Conditions:
Neurofibromatosis, type 2 (SWNV). Also called: BILATERAL ACOUSTIC NEUROFIBROMATOSIS; NF2-Related Schwannomatosis; SCHWANNOMATOSIS, VESTIBULAR. Identifiers: Orphanet 637, MedGen C0027832, MONDO:0007039, OMIM 101000. Disease mechanism: loss of function.
Hereditary cancer-predisposing syndrome. Also called: Tumor predisposition; Hereditary Cancer Syndrome; Hereditary neoplastic syndrome; Neoplastic Syndromes, Hereditary. Identifiers: Orphanet 140162, MedGen C0027672, MeSH D009386, MONDO:0015356.

Submissions (2):

Ambry Genetics
Classification: Uncertain significance for Hereditary cancer-predisposing syndrome. Last evaluated: 2025-03-19. Review status: criteria provided, single submitter. Criteria: Ambry Variant Classification Scheme 2023. Collection method: clinical testing. Allele origin: germline.
Comment: The p.L549F variant (also known as c.1647G>T), located in coding exon 15 of the NF2 gene, results from a G to T substitution at nucleotide position 1647. The leucine at codon 549 is replaced by phenylalanine, an amino acid with highly similar properties. This amino acid position is conserved. In addition, the in silico prediction for this alteration is inconclusive. Based on the available evidence, the clinical significance of this variant remains unclear.

All of Us Research Program, National Institutes of Health
Classification: Uncertain significance for Neurofibromatosis, type 2. Last evaluated: 2023-06-27. Review status: criteria provided, single submitter. Criteria: ACMG Guidelines, 2015. Collection method: clinical testing. Allele origin: germline. Inheritance: Autosomal dominant inheritance. Observed: 1 variant allele, 1 heterozygote.
Comment: This study involves interpretation of variants in research participants for the purpose of population health screening. Participant phenotype was not available at the time of variant classification. Additional details can be found in publication PMID: 35346344, PMCID: PMC8962531